The following is an entry in ClinVar:

ClinVar aggregate classification (germline): Uncertain significance. Review status: criteria provided, multiple submitters, no conflicts (2 of 4 stars). 3 submissions from 3 submitters: Uncertain significance (3). Last evaluated 2024-09-13.

Conditions:
Cardiovascular phenotype. Identifiers: MedGen CN230736.
Cardiomyopathy, familial restrictive, 1. Identifiers: Orphanet 75249, MedGen C1861861, MONDO:0007270, OMIM 115210.
Dilated cardiomyopathy 2A (CMD2A). Also called: CARDIOMYOPATHY, CONGESTIVE, AUTOSOMAL RECESSIVE; CARDIOMYOPATHY, DILATED, AUTOSOMAL RECESSIVE. Identifiers: Orphanet 154, MedGen C2678474, MONDO:0012746, OMIM 611880.
Hypertrophic cardiomyopathy 7. Also called: CARDIOMYOPATHY, FAMILIAL HYPERTROPHIC, 7, MODIFIER OF; TNNI3-Related Familial Hypertrophic Cardiomyopathy; Familial hypertrophic cardiomyopathy 7. Identifiers: MedGen C1860752, MONDO:0013369, OMIM 613690.
Hypertrophic cardiomyopathy. Also called: HYPERTROPHIC MYOCARDIOPATHY. Identifiers: Orphanet 217569, MedGen C0007194, MeSH D002312, MONDO:0005045, HP:0001639.

Submissions (3):

Institute of Immunology and Genetics Kaiserslautern
Classification: Uncertain significance for Dilated cardiomyopathy 2A; Hypertrophic cardiomyopathy 7; Cardiomyopathy, familial restrictive, 1. Last evaluated: 2024-09-13. Review status: criteria provided, single submitter. Criteria: ACMG Guidelines, 2015. Collection method: clinical testing. Allele origin: germline. Affected: yes.
Comment: ACMG Criteria: PM2_P, PP3, PM5; Variant was found in heterozygous state

Ambry Genetics
Classification: Uncertain significance for Cardiovascular phenotype. Last evaluated: 2023-01-11. Review status: criteria provided, single submitter. Criteria: Ambry Variant Classification Scheme 2023. Collection method: clinical testing. Allele origin: germline.
Comment: The p.D196G variant (also known as c.587A>G), located in coding exon 8 of the TNNI3 gene, results from an A to G substitution at nucleotide position 587. The aspartic acid at codon 196 is replaced by glycine, an amino acid with similar properties. This alteration has been reported in hypertrophic cardiomyopathy (HCM) and atrial fibrillation cohorts (Wang C et al. Mol Genet Genomics, 2016 Feb;291:79-92; Tadros R et al. Nat Genet, 2021 Feb;53:128-134). Another alteration at the same codon, p.D196N (c.586G>A), has also been detected in HCM cohorts (Niimura H et al. Circulation, 2002 Jan;105:446-51). This amino acid position is well conserved in available vertebrate species. In addition, this alteration is predicted to be deleterious by in silico analysis. Since supporting evidence is limited at this time, the clinical significance of this alteration remains unclear.

Labcorp Genetics (formerly Invitae), Labcorp
Classification: Uncertain significance for Hypertrophic cardiomyopathy. Last evaluated: 2020-10-06. Review status: criteria provided, single submitter. Criteria: Invitae Variant Classification Sherloc (09022015). Collection method: clinical testing. Allele origin: germline.
Comment: This sequence change replaces aspartic acid with glycine at codon 196 of the TNNI3 protein (p.Asp196Gly). The aspartic acid residue is highly conserved and there is a moderate physicochemical difference between aspartic acid and glycine. This variant is not present in population databases (ExAC no frequency). This variant has been observed in individual(s) with atrial fibrillation (PMID: 26169204). Algorithms developed to predict the effect of missense changes on protein structure and function are either unavailable or do not agree on the potential impact of this missense change (SIFT: "Deleterious"; PolyPhen-2: "Probably Damaging"; Align-GVGD: "Class C0"). This variant disrupts the p.Asp196 amino acid residue in TNNI3. Other variant(s) that disrupt this residue have been determined to be pathogenic (PMID: 11815426, 26914223, 12707239, 25524337, 15607392). This suggests that this residue is clinically significant, and that variants that disrupt this residue are likely to be disease-causing. In summary, the available evidence is currently insufficient to determine the role of this variant in disease. Therefore, it has been classified as a Variant of Uncertain Significance.

Literature cited by the submitters: PubMed 26169204 (cited by Ambry Genetics and Labcorp Genetics (formerly Invitae), Labcorp); PubMed 33495596 (cited by Ambry Genetics); PubMed 11815426 (cited by Labcorp Genetics (formerly Invitae), Labcorp); PubMed 26914223 (cited by Labcorp Genetics (formerly Invitae), Labcorp); PubMed 12707239 (cited by Labcorp Genetics (formerly Invitae), Labcorp); PubMed 25524337 (cited by Labcorp Genetics (formerly Invitae), Labcorp); PubMed 15607392 (cited by Labcorp Genetics (formerly Invitae), Labcorp).

NM_000363.5(TNNI3):c.587A>G (p.Asp196Gly)

Gene: TNNI3 (troponin I3, cardiac type; minus strand). Cytogenetic location: 19q13.42.
Variant type: single nucleotide variant.
Coding change: c.587A>G on transcript NM_000363.5 (MANE Select); coding-DNA position 587, A replaced by G.
Protein change: p.Asp196Gly; replaces aspartic acid 196 with glycine.
Molecular consequence: missense variant.
Genome position (GRCh38, 1-based): chr19:55,151,880, T>C on the plus strand (A>G on the coding strand, the complement: TNNI3 is on the minus strand). VCF-style: chr19-55151880-T-C. GRCh37 (hg19) VCF-style: chr19-55663248-T-C.
Other names: c.587A>G (NM_000363.4); short protein forms D196G.
Identifiers: ClinVar variation 1052513 (VCV001052513.11), dbSNP rs2147281695, ClinGen allele CA407439552.
Genomic context (GRCh38, chr19:55,151,880, plus strand): 5'-GTAGGCAGGAAGGCTCAGCTCTCAAACTTTTTCTTGCGGCCCTCCATTCCACTCAGTGCA[T>C]CGATGTTCTTGCGCCAGTCTCCCACCTCCCGGTTTTCCTGGAGGATGGCGATGAGTCAGA-3'
Protein context (NP_000354.4, residues 186-206): REVGDWRKNI[Asp196Gly]ALSGMEGRKK